The following is an entry in ClinVar:

ClinVar aggregate classification (germline): Uncertain significance (1 of 4 stars; one submission).

Conditions:
Hereditary cancer-predisposing syndrome. Also called: Neoplastic Syndromes, Hereditary; Tumor predisposition; Hereditary Cancer Syndrome; Hereditary neoplastic syndrome. Identifiers: Orphanet 140162, MedGen C0027672, MeSH D009386, MONDO:0015356.

Submission:

Ambry Genetics
Classification: Uncertain significance for Hereditary cancer-predisposing syndrome. Last evaluated: 2020-09-30. Review status: criteria provided, single submitter. Criteria: Ambry Variant Classification Scheme 2023. Collection method: clinical testing. Allele origin: germline.
Comment: The c.1908-5C>G intronic variant results from a C to G substitution 5 nucleotides upstream from coding exon 11 in the DICER1 gene. This nucleotide position is not well conserved in available vertebrate species. In silico splice site analysis predicts that this alteration will not have any significant effect on splicing. Since supporting evidence is limited at this time, the clinical significance of this alteration remains unclear.

NM_177438.3(DICER1):c.1908-5C>G

Gene: DICER1 (dicer 1, ribonuclease III; minus strand). Cytogenetic location: 14q32.13.
Variant type: single nucleotide variant.
Coding change: c.1908-5C>G on transcript NM_177438.3 (MANE Select); 5 bases into the intron before coding-DNA position 1908, C replaced by G.
Molecular consequence: intron variant.
Genome position (GRCh38, 1-based): chr14:95,113,229, G>C on the plus strand (C>G on the coding strand, the complement: DICER1 is on the minus strand). VCF-style: chr14-95113229-G-C. GRCh37 (hg19) VCF-style: chr14-95579566-G-C.
Other names: c.1908-5C>G (NM_001291628.2, NM_030621.4, NM_001395677.1 and 12 more transcripts); c.1503-5C>G (NM_001395690.1, NM_001395687.1, NM_001395689.1 and 3 more transcripts); c.1626-5C>G (NM_001395686.1); c.1341-5C>G (NM_001395691.1); c.225-5C>G (NM_001395697.1).
Identifiers: ClinVar variation 1782423 (VCV001782423.2), dbSNP rs2140089388, ClinGen allele CA2580089002.
Genomic context (GRCh38, chr14:95,113,229, plus strand): 5'-TTCTGCATTTAGGAGCTAGATGAGTAAACGGATCACTTGGTAATCTAGCACAGTATCTGT[G>C]AAGAAAAAGAAATTCTGAGGCTGAATCTACAACTGAGAAAATATTGATATTTATAACCTC-3'